The following is an entry in ClinVar:

ClinVar aggregate classification (germline): Uncertain significance (1 of 4 stars; one submission).

Conditions:
Familial intrahepatic cholestasis. Identifiers: Orphanet 284385, MedGen CN296401, MONDO:0017290.

Submission:

Genomenon, Inc
Classification: Uncertain significance for Familial intrahepatic cholestasis. Last evaluated: 2026-04-14. Review status: criteria provided, single submitter. Criteria: Genomenon Sequence Variant Interpretation Standards - Updated. Collection method: curation. Allele origin: germline. Affected: yes.
Comment: ABCB11 p.Gly499Glu (c.1496G>A) is a missense variant that changes the amino acid at residue 499 from Glycine to Glutamic acid. This variant has been observed in at least one proband with an ABCB11-related disorder (PMID:19845854). It is absent or not present at a significant frequency in gnomAD. In silico models predict that this variant is possibly or probably damaging. In conclusion, we classify ABCB11 p.Gly499Glu (c.1496G>A) as a variant of uncertain significance.

Literature cited by the submitters: PubMed 19845854.

NM_003742.4(ABCB11):c.1496G>A (p.Gly499Glu)

Gene: ABCB11 (ATP binding cassette subfamily B member 11; minus strand). Cytogenetic location: 2q31.1.
Variant type: single nucleotide variant.
Coding change: c.1496G>A on transcript NM_003742.4 (MANE Select); coding-DNA position 1496, G replaced by A.
Protein change: p.Gly499Glu; replaces glycine 499 with glutamic acid.
Molecular consequence: missense variant.
Genome position (GRCh38, 1-based): chr2:168,971,989, C>T on the plus strand (G>A on the coding strand, the complement: ABCB11 is on the minus strand). VCF-style: chr2-168971989-C-T. GRCh37 (hg19) VCF-style: chr2-169828499-C-T.
Other names: short protein forms G499E.
Identifiers: ClinVar variation 4846026 (VCV004846026.1).